The following is an entry in ClinVar:

NM_000051.4(ATM):c.743G>T (p.Arg248Leu)

Gene: ATM (ATM serine/threonine kinase; plus strand). Cytogenetic location: 11q22.3.
Variant type: single nucleotide variant.
Coding change: c.743G>T on transcript NM_000051.4 (MANE Select); coding-DNA position 743, G replaced by T.
Protein change: p.Arg248Leu; replaces arginine 248 with leucine.
Molecular consequence: missense variant.
Genome position (GRCh38, 1-based): chr11:108,244,868, G>T. VCF-style: chr11-108244868-G-T. GRCh37 (hg19) VCF-style: chr11-108115595-G-T.
Other names: NM_000051.4(ATM):c.743G>T; p.Arg248Leu; c.743G>T, p.Arg248Leu (NM_001351834.2); short protein forms R248L.
Identifiers: ClinVar variation 453684 (VCV000453684.30), dbSNP rs769166447, ClinGen allele CA382529260.

ClinVar aggregate classification (germline): Likely pathogenic. Review status: reviewed by expert panel (3 of 4 stars). 12 submissions from 12 submitters: Likely pathogenic (1). 11 of the submissions do not count toward it. Last evaluated 2025-11-11.

Conditions:
ATM-related cancer predisposition. Also called: ATM-related cancer susceptibility. Identifiers: MedGen CN377759, MONDO:0700270.
Hereditary cancer-predisposing syndrome. Also called: Neoplastic Syndromes, Hereditary; Hereditary Cancer Syndrome; Hereditary neoplastic syndrome; Tumor predisposition. Identifiers: Orphanet 140162, MedGen C0027672, MeSH D009386, MONDO:0015356.
Familial cancer of breast. Also called: hereditary breast carcinoma; Hereditary breast cancer; BREAST CANCER, FAMILIAL. Identifiers: Orphanet 227535, MedGen C0346153, MONDO:0016419, OMIM 114480. Disease mechanism: loss of function.
Ataxia-telangiectasia syndrome (AT). Also called: Ataxia-telangiectasia, complementation group D; AT, COMPLEMENTATION GROUP C; ATAXIA-TELANGIECTASIA, COMPLEMENTATION GROUP A; ATAXIA-TELANGIECTASIA, FRESNO VARIANT; Cerebello-oculocutaneous telangiectasia; Immunodeficiency with ataxia telangiectasia. Identifiers: Orphanet 100, MedGen C0004135, MONDO:0008840, OMIM 208900.

gnomAD v4.1: 7 of 1,613,696 alleles (0.00043%); highest among the groups gnomAD compares: East Asian, 0.0022%; no homozygotes.

Submissions (12):

ClinGen Hereditary Breast, Ovarian and Pancreatic Cancer Variant Curation Expert Panel, ClinGen
Classification: Likely pathogenic for ATM-related cancer predisposition. Last evaluated: 2025-11-11. Review status: reviewed by expert panel. Criteria: ClinGen HBOP ACMG Specifications ATM V1.4.0. Collection method: curation. Allele origin: germline. Inheritance: Autosomal dominant inheritance.
Comment: The c.743G>T variant in ATM is a missense variant predicted to cause substitution of arginine by leucine at amino acid 248 (p.Arg248Leu). This variant has been detected in at least two unrelated individuals with Ataxia-Telangiectasia (PMIDs: 24120321, 26896183, 30713931). The filtering allele frequency (the upper threshold of the 95% CI of 5/1179886) of the c.743G>T variant in ATM is 0.000001240 for European (non-Finnish) chromosomes by gnomAD v4.1.0, which is lower than the HBOP VCEP threshold (≤0.00001) for PM2_Supporting, and therefore meets this criterion. The computational predictor REVEL gives a score of 0.836, which is above the threshold of 0.7333, evidence that correlates with impact to ATM function. In summary, this variant meets the criteria to be classified as likely pathogenic for autosomal dominant ATM-related cancer predisposition and autosomal recessive Ataxia-Telangiectasia based on the ACMG/AMP criteria applied, as specified by the HBOP VCEP. (PM3_Strong, PM2_Supporting, PP3)

Myriad Genetics, Inc.
Classification: Likely pathogenic for Familial cancer of breast. Last evaluated: 2026-03-18. Review status: criteria provided, single submitter. Criteria: Myriad Autosomal Dominant, Autosomal Recessive and X-Linked Classification Criteria (2023). Collection method: clinical testing. Allele origin: unknown. Not counted in ClinVar's aggregate classification.
Comment: This variant is considered likely pathogenic. This variant has been reported in multiple individuals with clinical features of gene-specific disease [PMID: 37438524, 26896183, 30713931; external communications 2026].

Labcorp Genetics (formerly Invitae), Labcorp
Classification: Uncertain significance for Ataxia-telangiectasia syndrome. Last evaluated: 2026-02-01. Review status: criteria provided, single submitter. Criteria: Invitae Variant Classification Sherloc (09022015). Collection method: clinical testing. Allele origin: germline. Not counted in ClinVar's aggregate classification.
Comment: This sequence change replaces arginine, which is basic and polar, with leucine, which is neutral and non-polar, at codon 248 of the ATM protein (p.Arg248Leu). This variant is present in population databases (no rsID available, gnomAD 0.006%). This missense change has been observed in individuals with clinical features of ataxia-telangiectasia (PMID: 24120321, 26896183, 30713931). ClinVar contains an entry for this variant (Variation ID: 453684). Invitae Evidence Modeling of protein sequence and biophysical properties (such as structural, functional, and spatial information, amino acid conservation, physicochemical variation, residue mobility, and thermodynamic stability) has been performed for this missense variant. However, the output from this modeling did not meet the statistical confidence thresholds required to predict the impact of this variant on ATM protein function. In summary, the available evidence is currently insufficient to determine the role of this variant in disease. Therefore, it has been classified as a Variant of Uncertain Significance.

Women's Health and Genetics/Laboratory Corporation of America, LabCorp
Classification: Uncertain significance. Last evaluated: 2025-05-07. Review status: criteria provided, single submitter. Criteria: LabCorp Variant Classification Summary - May 2015. Collection method: clinical testing. Allele origin: germline. Not counted in ClinVar's aggregate classification.
Comment: Variant summary: ATM c.743G>T (p.Arg248Leu) results in a non-conservative amino acid change in the encoded protein sequence. Algorithms developed to predict the effect of missense changes on protein structure and function are either unavailable or do not agree on the potential impact of this missense change. The variant allele was found at a frequency of 4e-06 in 251016 control chromosomes (gnomAD). c.743G>T has been observed in two individuals affected with variant (atypical) Ataxia-Telangiectasia (Cummins_2013, Georgiev_2016). These data indicate that the variant may be associated with disease. At least one publication reports experimental evidence evaluating an impact on protein function (Cummins_2013), however, does not allow convincing conclusions about the variant effect. The following publications have been ascertained in the context of this evaluation (PMID: 24120321, 26896183, 30713931). ClinVar contains an entry for this variant (Variation ID: 453684). Based on the evidence outlined above, the variant was classified as VUS-possibly pathogenic.

Color Diagnostics, LLC DBA Color Health
Classification: Likely pathogenic for Hereditary cancer-predisposing syndrome. Last evaluated: 2025-03-26. Review status: criteria provided, single submitter. Criteria: ACMG Guidelines, 2015. Collection method: clinical testing. Allele origin: germline. Not counted in ClinVar's aggregate classification.
Comment: This missense variant replaces arginine with leucine at codon 248 of the ATM protein. Computational prediction suggests that this variant may have deleterious impact on protein structure and function. To our knowledge, functional studies have not been reported for this variant. This variant has been reported in the compound heterozygous state with another pathogenic ATM variant in individuals affected with atypical form of ataxia-telangiectasia (PMID: 24120321, 30713931). Cells derived from these individuals have shown residual ATM kinase activity (PMID: 24120321, 30549301). This variant has been identified in 1/251016 chromosomes in the general population by the Genome Aggregation Database (gnomAD). Based on the available evidence, this variant is classified as Likely Pathogenic. Since this variant has been associated with a mild form of an autosomal-recessive disease, it appears to be hypomorphic and may display reduced cancer penetrance relative to typical pathogenic ATM variants. Medical management of heterozygous individuals should be considered based on the individual's personal and family history.

Ambry Genetics
Classification: Likely pathogenic for Hereditary cancer-predisposing syndrome. Last evaluated: 2024-12-27. Review status: criteria provided, single submitter. Criteria: Ambry Variant Classification Scheme 2023. Collection method: clinical testing. Allele origin: germline. Not counted in ClinVar's aggregate classification.
Comment: The p.R248L variant (also known as c.743G>T), located in coding exon 6 of the ATM gene, results from a G to T substitution at nucleotide position 743. The arginine at codon 248 is replaced by leucine, an amino acid with dissimilar properties. This variant has been identified in conjunction with other pathogenic ATM variant(s) in individual(s) with features consistent with ataxia telangiectasia (Cummins G et al. Parkinsonism Relat. Disord., 2013 Dec;19:1173-4; Georgiev D et al. Mov Disord Clin Pract Jan;3:405-408). Lymphoblastoid cell from these patients showed reduced levels of ATM protein but retained kinase activity. This amino acid position is highly conserved in available vertebrate species. In addition, this alteration is predicted to be deleterious by in silico analysis. Based on the majority of available evidence to date, this variant is likely to be pathogenic.

Blueprint Genetics
Classification: Uncertain significance. Last evaluated: 2023-09-14. Review status: criteria provided, single submitter. Criteria: ACMG Guidelines, 2015. Collection method: clinical testing. Allele origin: germline. Not counted in ClinVar's aggregate classification.

Baylor Genetics
Classification: Likely pathogenic for Familial cancer of breast. Last evaluated: 2023-01-07. Review status: criteria provided, single submitter. Criteria: ACMG Guidelines, 2015. Collection method: clinical testing. Allele origin: unknown. Not counted in ClinVar's aggregate classification.

GeneDx
Classification: Uncertain significance. Last evaluated: 2022-02-16. Review status: criteria provided, single submitter. Criteria: GeneDx Variant Classification Process June 2021. Collection method: clinical testing. Allele origin: germline. Affected: yes. Not counted in ClinVar's aggregate classification.
Comment: Observed multiple times in the compound heterozygous state with a truncating ATM variant (phase unknown) in patients with atypical ataxia telangiectasia (Cummins 2013, Georgiev 2016); Published functional studies are conflicting: ATM protein expression is reduced and ATM kinase activity is retained (Cummins 2013); Not observed at significant frequency in large population cohorts (gnomAD); In silico analysis supports that this missense variant has a deleterious effect on protein structure/function; This variant is associated with the following publications: (PMID: 25040471, 27226433, 24120321, 26896183, 30549301, 30713931)

Institute of Medical Genetics and Applied Genomics, University Hospital Tübingen
Classification: Likely pathogenic. Last evaluated: 2020-10-23. Review status: criteria provided, single submitter. Criteria: ACMG Guidelines, 2015. Collection method: clinical testing. Allele origin: germline. Inheritance: Autosomal unknown. Affected: yes. Not counted in ClinVar's aggregate classification.

Institute of Human Genetics Munich, TUM University Hospital
Classification: Pathogenic for Ataxia-telangiectasia syndrome. Last evaluated: 2020-09-02. Review status: criteria provided, single submitter. Criteria: Classification criteria August 2017. Collection method: clinical testing. Allele origin: paternal. Inheritance: Autosomal recessive inheritance. Affected: yes. Observed: 1 variant allele. Not counted in ClinVar's aggregate classification.

Genetic Services Laboratory, University of Chicago
Classification: Uncertain significance. Last evaluated: 2022-06-22. Review status: no assertion criteria provided. Collection method: clinical testing. Allele origin: germline. Affected: no. Not counted in ClinVar's aggregate classification.
Comment: DNA sequence analysis of the ATM gene demonstrated a sequence change, c.743G>T, in exon 7 that results in an amino acid change, p.Arg248Leu. This sequence change has been previously described in individuals with ataxia telangiectasia with myoclonus-dystonia who also had a truncating nonsense variant in the same gene (PMID: 24120321, 30713931, 30549301). Functional studies in the Lymphoblastoid cell from these patients showed reduced expression of mutant ATM protein with some retained ATM kinase activity. This sequence change has been described in the gnomAD database in one individual which corresponds to a population frequency of 0.0004% (dbSNP rs769166447). The p.Arg248Leu change affects a highly conserved amino acid residue located in a domain of the ATM protein that is not known to be functional. The p.Arg248Leu substitution appears to be deleterious using several in-silico pathogenicity prediction tools (SIFT, PolyPhen2, Align GVGD, REVEL). Due to insufficient evidences, the clinical significance of the p.Arg248Leu change remains unknown at this time.

Literature cited by the submitters: PubMed 37438524 (cited by Myriad Genetics, Inc.); PubMed 26896183 (cited by 4 submitters); PubMed 30713931 (cited by 5 submitters); PubMed 24120321 (cited by 4 submitters); PubMed 30549301 (cited by Color Diagnostics, LLC DBA Color Health and Ambry Genetics); PubMed 25040471 (cited by Ambry Genetics).